The following is an entry in ClinVar:

ClinVar aggregate classification (germline): Uncertain significance (1 of 4 stars; one submission).

gnomAD v4.1: 1 of 1,596,572 alleles (0.000063%); highest among the groups gnomAD compares: East Asian, 0.0023%; no homozygotes.

Submission:

Labcorp Genetics (formerly Invitae), Labcorp
Classification: Uncertain significance. Last evaluated: 2024-07-21. Review status: criteria provided, single submitter. Criteria: Invitae Variant Classification Sherloc (09022015). Collection method: clinical testing. Allele origin: germline.
Comment: This sequence change replaces phenylalanine, which is neutral and non-polar, with leucine, which is neutral and non-polar, at codon 434 of the SLC26A1 protein (p.Phe434Leu). The frequency data for this variant in the population databases is considered unreliable, as metrics indicate poor data quality at this position in the gnomAD database. This variant has not been reported in the literature in individuals affected with SLC26A1-related conditions. Advanced modeling of protein sequence and biophysical properties (such as structural, functional, and spatial information, amino acid conservation, physicochemical variation, residue mobility, and thermodynamic stability) performed at Invitae indicates that this missense variant is not expected to disrupt SLC26A1 protein function with a negative predictive value of 80%. In summary, the available evidence is currently insufficient to determine the role of this variant in disease. Therefore, it has been classified as a Variant of Uncertain Significance.

NM_022042.4(SLC26A1):c.1302C>G (p.Phe434Leu)

Genes: IDUA (alpha-L-iduronidase; plus strand), SLC26A1 (solute carrier family 26 member 1; minus strand). Cytogenetic location: 4p16.3.
Variant type: single nucleotide variant.
Coding change: c.1302C>G on transcript NM_022042.4 (MANE Select); coding-DNA position 1302, C replaced by G.
Protein change: p.Phe434Leu; replaces phenylalanine 434 with leucine.
Molecular consequence: missense variant. On other transcripts: intron variant (2).
Genome position (GRCh38, 1-based): chr4:989,637, G>C on the plus strand (C>G on the coding strand, the complement: SLC26A1 is on the minus strand). VCF-style: chr4-989637-G-C. GRCh37 (hg19) VCF-style: chr4-983425-G-C.
Other names: c.1302C>G, p.Phe434Leu (NM_213613.4); c.576+1491C>G (NM_134425.4); c.299+1688G>C (NM_000203.5); short protein forms F434L.
Identifiers: ClinVar variation 3688926 (VCV003688926.2).